The following is an entry in ClinVar:

NM_000186.4(CFH):c.397G>A (p.Gly133Arg)

Gene: CFH (complement factor H; plus strand). Cytogenetic location: 1q31.3.
Variant type: single nucleotide variant.
Coding change: c.397G>A on transcript NM_000186.4 (MANE Select); coding-DNA position 397, G replaced by A.
Protein change: p.Gly133Arg; replaces glycine 133 with arginine.
Molecular consequence: missense variant.
Genome position (GRCh38, 1-based): chr1:196,676,035, G>A. VCF-style: chr1-196676035-G-A. GRCh37 (hg19) VCF-style: chr1-196645165-G-A.
Other names: c.397G>A, p.Gly133Arg (NM_001014975.3); short protein forms G133R.
Identifiers: ClinVar variation 4291687 (VCV004291687.2).

ClinVar aggregate classification (germline): Uncertain significance (1 of 4 stars; one submission).

Conditions:
Factor H deficiency (CFHD). Also called: COMPLEMENT FACTOR H DEFICIENCY; CFH DEFICIENCY. Identifiers: Orphanet 200421, MedGen C0398777, MONDO:0012350, OMIM 609814.

Submission:

Genomenon, Inc
Classification: Uncertain significance for Factor H deficiency. Last evaluated: 2026-09-17. Review status: criteria provided, single submitter. Criteria: Genomenon Sequence Variant Interpretation Standards - Updated. Collection method: curation. Allele origin: germline. Affected: yes.
Comment: CFH p.Gly133Arg (c.397G>A) is a missense variant that changes the amino acid at codon 133 from glycine to arginine. This variant has been observed in at least one proband affected with complement factor H deficiency (PMID: 29030465). It is absent or not present at a significant frequency in gnomAD. In silico models predict that this variant is possibly or probably damaging. In conclusion, we classify CFH p.Gly133Arg (c.397G>A) as a variant of uncertain significance.

Literature cited by the submitters: PubMed 29030465.